The following is an entry in ClinVar:

ClinVar aggregate classification (germline): Uncertain significance. Review status: criteria provided, multiple submitters, no conflicts (2 of 4 stars). 3 submissions from 3 submitters: Uncertain significance (3). Last evaluated 2025-08-11.

Conditions:
Progressive sclerosing poliodystrophy (MTDPS4A). Also called: ALPERS PROGRESSIVE INFANTILE POLIODYSTROPHY; NEURONAL DEGENERATION OF CHILDHOOD WITH LIVER DISEASE, PROGRESSIVE; Alpers Syndrome; ALPERS DIFFUSE DEGENERATION OF CEREBRAL GRAY MATTER WITH HEPATIC CIRRHOSIS; Alpers-Huttenlocher Syndrome; Mitochondrial DNA depletion syndrome 4A (Alpers type). Identifiers: Orphanet 726, MedGen C0205710, MONDO:0008758, OMIM 203700.

Allele frequency attached by ClinVar (database versions not stated): gnomAD exomes below 0.00001; TOPMed below 0.00001; gnomAD 0.00001.

Submissions (3):

Labcorp Genetics (formerly Invitae), Labcorp
Classification: Uncertain significance for Progressive sclerosing poliodystrophy. Last evaluated: 2025-08-11. Review status: criteria provided, single submitter. Criteria: Invitae Variant Classification Sherloc (09022015). Collection method: clinical testing. Allele origin: germline.
Comment: This sequence change falls in intron 21 of the POLG gene. It does not directly change the encoded amino acid sequence of the POLG protein. This variant is not present in population databases (gnomAD no frequency). This variant has not been reported in the literature in individuals affected with POLG-related conditions. This variant is also known as c.3483-12_3498dup (p.Lys1167Glyfs*15). ClinVar contains an entry for this variant (Variation ID: 1424324). In summary, the available evidence is currently insufficient to determine the role of this variant in disease. Therefore, it has been classified as a Variant of Uncertain Significance.

GeneDx
Classification: Uncertain significance. Last evaluated: 2024-09-06. Review status: criteria provided, single submitter. Criteria: GeneDx Variant Classification Process June 2021. Collection method: clinical testing. Allele origin: germline. Affected: yes.
Comment: Not observed at significant frequency in large population cohorts (gnomAD); Has not been previously published as pathogenic or benign to our knowledge; In silico analysis suggests this variant may impact gene splicing. In the absence of RNA/functional studies, the actual effect of this sequence change is unknown.

Mayo Clinic Laboratories, Mayo Clinic
Classification: Uncertain significance. Last evaluated: 2023-08-21. Review status: criteria provided, single submitter. Criteria: ACMG Guidelines, 2015. Collection method: clinical testing. Allele origin: germline. Observed: 1 variant allele.
Comment: PM2_moderate

NM_002693.3(POLG):c.3483-12_3498dup

Gene: POLG (DNA polymerase gamma, catalytic subunit; minus strand). Cytogenetic location: 15q26.1.
Variant type: Duplication.
Coding change: c.3483-12_3498dup on transcript NM_002693.3 (MANE Select); 12 bases into the intron before coding-DNA position 3483 through coding-DNA position 3498, 28 bases duplicated (GGTCTCTTTCAGGTGCATGTTTGCCTAC).
Molecular consequence: splice acceptor variant.
Genome position (GRCh38, 1-based): chr15:89,317,521-89,317,548, GTAGGCAAACATGCACCTGAAAGAGACC duplicated on the plus strand (GGTCTCTTTCAGGTGCATGTTTGCCTAC on the coding strand, the reverse complement: POLG is on the minus strand). VCF-style (leftmost placement, unchanged base first): chr15-89317520-T-TGTAGGCAAACATGCACCTGAAAGAGACC. GRCh37 (hg19) VCF-style: chr15-89860751-T-TGTAGGCAAACATGCACCTGAAAGAGACC.
Other names: p.?; c.3483-12_3498dup (NM_001126131.2, NM_002693.2).
Identifiers: ClinVar variation 1424324 (VCV001424324.10), dbSNP rs2055313419, ClinGen allele CA972592556.
Genomic context (GRCh38, chr15:89,317,520, plus strand): 5'-GGTCAATATCGACTGCACTGAAAAAGGCGACTGACTGGGGCAAGTCATTCAGACCCAGCT[T>TGTAGGCAAACATGCACCTGAAAGAGACC]GTAGGCAAACATGCACCTGAAAGAGACCCAATCTACTCTCACAGTCATGCCCCTCCTGTG-3'